The following is an entry in ClinVar:

NM_002055.5(GFAP):c.1147A>T (p.Thr383Ser)

Gene: GFAP (glial fibrillary acidic protein; minus strand). Cytogenetic location: 17q21.31.
Variant type: single nucleotide variant.
Coding change: c.1147A>T on transcript NM_002055.5 (MANE Select); coding-DNA position 1147, A replaced by T.
Protein change: p.Thr383Ser; replaces threonine 383 with serine.
Molecular consequence: missense variant.
Genome position (GRCh38, 1-based): chr17:44,910,639, T>A on the plus strand (A>T on the coding strand, the complement: GFAP is on the minus strand). VCF-style: chr17-44910639-T-A. GRCh37 (hg19) VCF-style: chr17-42988007-T-A.
Other names: c.1147A>T, p.Thr383Ser (NM_001131019.3, NM_001242376.3, NM_001363846.2); short protein forms T383S.
Identifiers: ClinVar variation 4976160 (VCV004976160.1).
Genomic context (GRCh38, chr17:44,910,639, plus strand): 5'-TCCAGTGCCCTTCCCACGAGGCCCTGCTGTACTGACCTCGAATCTGCAGGTTGGAGAAGG[T>A]CTGCACGGGAATGGTGATCCTGAAAGAAAGCAGAGGGAGAGGGCTGCCCGGGCTGCCTGG-3'
Protein context (NP_002046.1, residues 373-393): EENRITIPVQ[Thr383Ser]FSNLQIRETS

ClinVar aggregate classification (germline): Uncertain significance (1 of 4 stars; one submission).

Submission:

GeneDx
Classification: Uncertain significance. Last evaluated: 2026-02-03. Review status: criteria provided, single submitter. Criteria: GeneDx Variant Classification Process June 2021. Collection method: clinical testing. Allele origin: germline.
Comment: Not observed at significant frequency in large population cohorts (gnomAD); In silico analysis suggests that this missense variant does not alter protein structure/function; Has not been previously published as pathogenic or benign to our knowledge